The following is an entry in ClinVar:

ClinVar aggregate classification (germline): Likely benign (0 of 4 stars; one submission).

Conditions:
JMJD7-PLA2G4B-related disorder. Also called: JMJD7-PLA2G4B-related condition.

Allele frequency attached by ClinVar (database versions not stated): gnomAD 0.00004; TOPMed 0.00011; ExAC 0.00012; 1000 Genomes Project 30x 0.00031; 1000 Genomes Project 0.00040.
gnomAD v4.1: 82 of 1,612,750 alleles (0.0051%); highest among the groups gnomAD compares: Middle Eastern, 0.23%; no homozygotes.

Submission:

PreventionGenetics, part of Exact Sciences
Classification: Likely benign for JMJD7-PLA2G4B-related condition. Last evaluated: 2019-03-01. Review status: no assertion criteria provided. Collection method: clinical testing. Allele origin: germline.
Comment: This variant is classified as likely benign based on ACMG/AMP sequence variant interpretation guidelines (Richards et al. 2015 PMID: 25741868, with internal and published modifications).

NM_005090.4(JMJD7-PLA2G4B):c.2710G>A (p.Glu904Lys)

Genes: JMJD7-PLA2G4B (JMJD7-PLA2G4B readthrough; plus strand), PLA2G4B (phospholipase A2 group IVB; plus strand). Cytogenetic location: 15q15.1.
Variant type: single nucleotide variant.
Coding change: c.2710G>A on transcript NM_005090.4; coding-DNA position 2710, G replaced by A.
Protein change: p.Glu904Lys; replaces glutamic acid 904 with lysine.
Molecular consequence: missense variant. On other transcripts: intron variant (1).
Genome position (GRCh38, 1-based): chr15:41,847,406, G>A. VCF-style: chr15-41847406-G-A. GRCh37 (hg19) VCF-style: chr15-42139604-G-A.
Other names: c.2017G>A, p.Glu673Lys (NM_001114633.2); c.2641-243G>A (NM_001198588.2); short protein forms E673K, E904K.
Identifiers: ClinVar variation 3044931 (VCV003044931.2), dbSNP rs577156999, ClinGen allele CA7500381.